The following is an entry in ClinVar:

ClinVar aggregate classification (germline): Likely benign. Review status: criteria provided, single submitter (1 of 4 stars). 2 submissions from 2 submitters: Likely benign (1). 1 of the submissions does not count toward it. Last evaluated 2023-12-11.

Conditions:
SPTA1-related disorder. Also called: SPTA1-related condition; SPTA1-related disorders.

Allele frequency attached by ClinVar (database versions not stated): gnomAD exomes 0.00002; gnomAD 0.00003; TOPMed 0.00003; ExAC 0.00004.
gnomAD v4.1: 38 of 1,613,968 alleles (0.0024%); highest among the groups gnomAD compares: Non-Finnish European, 0.003%; no homozygotes.

Submissions (2):

Blueprint Genetics
Classification: Likely benign. Last evaluated: 2023-12-11. Review status: criteria provided, single submitter. Criteria: ACMG Guidelines, 2015. Collection method: clinical testing. Allele origin: germline.

PreventionGenetics, part of Exact Sciences
Classification: Likely benign for SPTA1-related condition. Last evaluated: 2023-07-06. Review status: no assertion criteria provided. Collection method: clinical testing. Allele origin: germline. Not counted in ClinVar's aggregate classification.
Comment: This variant is classified as likely benign based on ACMG/AMP sequence variant interpretation guidelines (Richards et al. 2015 PMID: 25741868, with internal and published modifications).

NM_003126.4(SPTA1):c.2286G>A (p.Lys762=)

Gene: SPTA1 (spectrin alpha, erythrocytic 1; minus strand). Cytogenetic location: 1q23.1.
Variant type: single nucleotide variant.
Coding change: c.2286G>A on transcript NM_003126.4 (MANE Select); coding-DNA position 2286, G replaced by A.
Protein change: p.Lys762=; no amino-acid change (lysine 762 retained).
Molecular consequence: synonymous variant.
Genome position (GRCh38, 1-based): chr1:158,662,880, C>T on the plus strand (G>A on the coding strand, the complement: SPTA1 is on the minus strand). VCF-style: chr1-158662880-C-T. GRCh37 (hg19) VCF-style: chr1-158632670-C-T.
Identifiers: ClinVar variation 3030188 (VCV003030188.3), dbSNP rs777665939, ClinGen allele CA1183445.